The following is an entry in ClinVar:

ClinVar aggregate classification (germline): Conflicting classifications of pathogenicity. Review status: criteria provided, conflicting classifications (1 of 4 stars). 8 submissions from 8 submitters: Uncertain significance (5); Benign (1); Likely benign (2). Last evaluated 2025-12-19.

Conditions:
Hereditary cancer-predisposing syndrome. Also called: Hereditary neoplastic syndrome; Neoplastic Syndromes, Hereditary; Tumor predisposition; Hereditary Cancer Syndrome. Identifiers: Orphanet 140162, MedGen C0027672, MeSH D009386, MONDO:0015356.
Tuberous sclerosis syndrome (TSC). Also called: Tuberous Sclerosis Complex; Tuberous sclerosis. Identifiers: Orphanet 805, MedGen C0041341, MONDO:0001734.
Tuberous sclerosis 1 (TSC1). Identifiers: Orphanet 805, MedGen C1854465, MONDO:0008612, OMIM 191100.

Allele frequency attached by ClinVar (database versions not stated): gnomAD exomes 0.00001; ExAC 0.00002; gnomAD 0.00002; TOPMed 0.00003.

Submissions (8):

Labcorp Genetics (formerly Invitae), Labcorp
Classification: Benign for Tuberous sclerosis 1. Last evaluated: 2025-12-19. Review status: criteria provided, single submitter. Criteria: Invitae Variant Classification Sherloc (09022015). Collection method: clinical testing. Allele origin: germline.

Quest Diagnostics Nichols Institute San Juan Capistrano
Classification: Uncertain significance. Last evaluated: 2025-03-14. Review status: criteria provided, single submitter. Criteria: Quest Diagnostics criteria. Collection method: clinical testing. Allele origin: unknown.

Greenwood Genetic Center Diagnostic Laboratories, Greenwood Genetic Center
Classification: Uncertain significance. Last evaluated: 2024-06-03. Review status: criteria provided, single submitter. Criteria: ACMG Guidelines, 2015. Collection method: clinical testing. Allele origin: germline. Affected: yes.
Comment: PM2, PP2

Ambry Genetics
Classification: Likely benign for Hereditary cancer-predisposing syndrome. Last evaluated: 2022-11-30. Review status: criteria provided, single submitter. Criteria: Ambry Variant Classification Scheme 2023. Collection method: clinical testing. Allele origin: germline.

Color Diagnostics, LLC DBA Color Health
Classification: Likely benign for Tuberous sclerosis syndrome. Last evaluated: 2022-05-26. Review status: criteria provided, single submitter. Criteria: ACMG Guidelines, 2015. Collection method: clinical testing. Allele origin: germline.

Genome-Nilou Lab
Classification: Uncertain significance for Tuberous sclerosis 1. Last evaluated: 2021-11-07. Review status: criteria provided, single submitter. Criteria: ACMG Guidelines, 2015. Collection method: clinical testing. Allele origin: germline. Affected: no.

GeneDx
Classification: Uncertain significance. Last evaluated: 2021-01-21. Review status: criteria provided, single submitter. Criteria: GeneDx Variant Classification Process June 2021. Collection method: clinical testing. Allele origin: germline. Affected: yes.
Comment: Has not been previously published as pathogenic or benign to our knowledge; In silico analysis supports that this missense variant does not alter protein structure/function; In silico analysis suggests this variant may impact gene splicing. In the absence of RNA/functional studies, the actual effect of this sequence change is unknown.

Athena Diagnostics
Classification: Uncertain significance. Last evaluated: 2017-09-11. Review status: criteria provided, single submitter. Criteria: Athena Diagnostics Criteria. Collection method: clinical testing. Allele origin: germline.

NM_000368.5(TSC1):c.917G>A (p.Cys306Tyr)

Gene: TSC1 (TSC complex subunit 1; minus strand). Cytogenetic location: 9q34.13.
Variant type: single nucleotide variant.
Coding change: c.917G>A on transcript NM_000368.5 (MANE Select); coding-DNA position 917, G replaced by A.
Protein change: p.Cys306Tyr; replaces cysteine 306 with tyrosine.
Molecular consequence: missense variant.
Genome position (GRCh38, 1-based): chr9:132,911,565, C>T on the plus strand (G>A on the coding strand, the complement: TSC1 is on the minus strand). VCF-style: chr9-132911565-C-T. GRCh37 (hg19) VCF-style: chr9-135786952-C-T.
Other names: c.917G>A, p.Cys306Tyr (NM_001162426.2); c.764G>A, p.Cys255Tyr (NM_001162427.2); c.554G>A, p.Cys185Tyr (NM_001362177.2); short protein forms C306Y, C255Y, C185Y.
Identifiers: ClinVar variation 466161 (VCV000466161.25), dbSNP rs752290177, ClinGen allele CA039723.
Genomic context (GRCh38, chr9:132,911,565, plus strand): 5'-AGCTGCCCTGGCATATTTAACAACATCAGCCGAGACGTGGAGTAAGGGGTAGAAGTAGCA[C>T]ACCCTAAAATGGAAGAGAAGAACACAGGGGGTTAGTGTGTGGTTTTAGGTTATTCTGGTT-3'
Protein context (NP_000359.1, residues 296-316): PYADTQNSYG[Cys306Tyr]ATSTPYSTSR